The following is an entry in ClinVar:

ClinVar aggregate classification (germline): Uncertain significance (1 of 4 stars; one submission).

Submission:

GeneDx
Classification: Uncertain significance. Last evaluated: 2024-04-01. Review status: criteria provided, single submitter. Criteria: GeneDx Variant Classification Process June 2021. Collection method: clinical testing. Allele origin: germline. Affected: yes.
Comment: Not observed at significant frequency in large population cohorts (gnomAD); In silico analysis supports that this missense variant has a deleterious effect on protein structure/function; Has not been previously published as pathogenic or benign to our knowledge

NM_002227.4(JAK1):c.1771A>G (p.Arg591Gly)

Genes: JAK1 (Janus kinase 1; minus strand), LOC126805749 (BRD4-independent group 4 enhancer GRCh37_chr1:65312286-65313485; plus strand). Cytogenetic location: 1p31.3.
Variant type: single nucleotide variant.
Coding change: c.1771A>G on transcript NM_002227.4 (MANE Select); coding-DNA position 1771, A replaced by G.
Protein change: p.Arg591Gly; replaces arginine 591 with glycine.
Molecular consequence: missense variant.
Genome position (GRCh38, 1-based): chr1:64,847,660, T>C on the plus strand (A>G on the coding strand, the complement: JAK1 is on the minus strand). VCF-style: chr1-64847660-T-C. GRCh37 (hg19) VCF-style: chr1-65313343-T-C.
Other names: c.1771A>G, p.Arg591Gly (NM_001320923.2, NM_001321852.2, NM_001321853.2 and 3 more transcripts); c.1768A>G, p.Arg590Gly (NM_001321857.2); short protein forms R590G, R591G.
Identifiers: ClinVar variation 3371892 (VCV003371892.1).